The following is an entry in ClinVar:

ClinVar aggregate classification (germline): Likely pathogenic. Review status: criteria provided, multiple submitters, no conflicts (2 of 4 stars). 2 submissions from 2 submitters: Likely pathogenic (2). Last evaluated 2025-04-27.

Conditions:
Galactosemia. Also called: Galactose intolerance. Identifiers: Orphanet 352, MedGen C0016952, MONDO:0018116, HP:0004919. Disease mechanism: loss of function.

Allele frequency attached by ClinVar (database versions not stated): TOPMed below 0.00001.

Submissions (2):

Natera, Inc.
Classification: Likely pathogenic for Galactosemia. Last evaluated: 2025-04-27. Review status: criteria provided, single submitter. Criteria: Natera Variant Classification Schema (03/2026). Collection method: clinical testing. Allele origin: germline.
Comment: The c.434_435del variant in GALT is a frameshift variant predicted to shift the reading frame beginning at codon 145 and leads to a stop codon 7 codons downstream. This variant is expected to result in nonsense mediated decay, truncation, or a dysfunctional protein product. This variant is rare in the general population with a frequency below the threshold expected for the associated phenotype(s). Given the available evidence, this variant is classified as Likely Pathogenic.

Mayo Clinic Laboratories, Mayo Clinic
Classification: Likely pathogenic. Last evaluated: 2022-03-23. Review status: criteria provided, single submitter. Criteria: ACMG Guidelines, 2015. Collection method: clinical testing. Allele origin: germline. Observed: 1 variant allele.
Comment: PM2, PVS1

NM_000155.4(GALT):c.434_435del (p.Pro145fs)

Gene: GALT (galactose-1-phosphate uridylyltransferase; plus strand). Cytogenetic location: 9p13.3.
Variant type: Deletion.
Coding change: c.434_435del on transcript NM_000155.4 (MANE Select); coding-DNA positions 434 to 435, 2 bases deleted (CT; older notation c.434_435delCT).
Protein change: p.Pro145fs; shifts the reading frame from proline 145.
Molecular consequence: frameshift variant.
Genome position (GRCh38, 1-based): chr9:34,647,888-34,647,889, CT deleted. VCF-style (leftmost placement, unchanged base first): chr9-34647887-CCT-C. GRCh37 (hg19) VCF-style: chr9-34647884-CCT-C.
Other names: p.Pro145Argfs*7; c.107_108del, p.Pro36fs (NM_001258332.2); c.434_435del (NM_000155.3); short protein forms P145fs, P36fs.
Identifiers: ClinVar variation 2683621 (VCV002683621.3), dbSNP rs1821147877, ClinGen allele CA1845637285.